The following is an entry in ClinVar:

ClinVar aggregate classification (germline): Uncertain significance (1 of 4 stars; one submission).

Conditions:
Congenital disorder of glycosylation type 1E (CDG1E). Also called: CONGENITAL DISORDER OF GLYCOSYLATION, TYPE Ie; CDG Ie. Identifiers: Orphanet 79322, MedGen C1837396, MONDO:0012123, OMIM 608799.

gnomAD v4.1: 6 of 1,613,866 alleles (0.00037%); highest among the groups gnomAD compares: Non-Finnish European, 0.00042%; no homozygotes.

Submission:

Labcorp Genetics (formerly Invitae), Labcorp
Classification: Uncertain significance for Congenital disorder of glycosylation type 1E. Last evaluated: 2023-06-09. Review status: criteria provided, single submitter. Criteria: Invitae Variant Classification Sherloc (09022015). Collection method: clinical testing. Allele origin: germline.
Comment: In summary, the available evidence is currently insufficient to determine the role of this variant in disease. Therefore, it has been classified as a Variant of Uncertain Significance. Experimental studies and prediction algorithms are not available or were not evaluated, and the functional significance of this variant is currently unknown. This variant has not been reported in the literature in individuals affected with DPM1-related conditions. This variant is present in population databases (no rsID available, gnomAD 0.0009%). This sequence change replaces proline, which is neutral and non-polar, with threonine, which is neutral and polar, at codon 10 of the DPM1 protein (p.Pro10Thr).

NM_003859.3(DPM1):c.28C>A (p.Pro10Thr)

Genes: DPM1 (dolichyl-phosphate mannosyltransferase subunit 1, catalytic; minus strand), LOC130066166 (ATAC-STARR-seq lymphoblastoid active region 18108; plus strand). Cytogenetic location: 20q13.13.
Variant type: single nucleotide variant.
Coding change: c.28C>A on transcript NM_003859.3 (MANE Select); coding-DNA position 28, C replaced by A.
Protein change: p.Pro10Thr; replaces proline 10 with threonine.
Molecular consequence: missense variant. On other transcripts: non-coding transcript variant (1).
Genome position (GRCh38, 1-based): chr20:50,958,496, G>T on the plus strand (C>A on the coding strand, the complement: DPM1 is on the minus strand). VCF-style: chr20-50958496-G-T. GRCh37 (hg19) VCF-style: chr20-49575033-G-T.
Other names: c.28C>A, p.Pro10Thr (NM_001317034.1, NM_001317035.1, NM_001317036.1); short protein forms P10T.
Identifiers: ClinVar variation 2729931 (VCV002729931.3), dbSNP rs550693323, ClinGen allele CA408981207.